The following is an entry in ClinVar:

NM_021620.4(PRDM13):c.1885C>A (p.Pro629Thr)

Genes: PRDM13 (PR/SET domain 13; plus strand), LOC129996882 (ATAC-STARR-seq lymphoblastoid silent region 17423; plus strand). Cytogenetic location: 6q16.2.
Variant type: single nucleotide variant.
Coding change: c.1885C>A on transcript NM_021620.4 (MANE Select); coding-DNA position 1885, C replaced by A.
Protein change: p.Pro629Thr; replaces proline 629 with threonine.
Molecular consequence: missense variant.
Genome position (GRCh38, 1-based): chr6:99,614,520, C>A. VCF-style: chr6-99614520-C-A. GRCh37 (hg19) VCF-style: chr6-100062396-C-A.
Other names: short protein forms P629T.
Identifiers: ClinVar variation 2813771 (VCV002813771.3), dbSNP rs2538547912, ClinGen allele CA365122128.
Genomic context (GRCh38, chr6:99,614,520, plus strand): 5'-CCCTTCGGCGACCCCAGCAATCTCAACAAGCACATCCGGCTGCACGCCGAGGGCAATACG[C>A]CCTACCGCTGCGAGTTCTGCGGCAAGGTACTTGTGCGCCGCCGGGACCTGGAGCGACATG-3'
Protein context (NP_067633.2, residues 619-639): HIRLHAEGNT[Pro629Thr]YRCEFCGKVL

ClinVar aggregate classification (germline): Uncertain significance (1 of 4 stars; one submission).

Submission:

Labcorp Genetics (formerly Invitae), Labcorp
Classification: Uncertain significance. Last evaluated: 2023-09-20. Review status: criteria provided, single submitter. Criteria: Invitae Variant Classification Sherloc (09022015). Collection method: clinical testing. Allele origin: germline.
Comment: An algorithm developed to predict the effect of missense changes on protein structure and function (PolyPhen-2) suggests that this variant is likely to be disruptive. This variant has not been reported in the literature in individuals affected with PRDM13-related conditions. This variant is not present in population databases (gnomAD no frequency). This sequence change replaces proline, which is neutral and non-polar, with threonine, which is neutral and polar, at codon 629 of the PRDM13 protein (p.Pro629Thr). In summary, the available evidence is currently insufficient to determine the role of this variant in disease. Therefore, it has been classified as a Variant of Uncertain Significance.